The following is an entry in ClinVar:

ClinVar aggregate classification (germline): Benign/Likely benign. Review status: criteria provided, multiple submitters, no conflicts (2 of 4 stars). 22 submissions from 17 submitters: Benign (19); Likely benign (1). 2 of the submissions do not count toward it. Last evaluated 2026-05-22.

Conditions:
Hereditary cancer-predisposing syndrome. Also called: Tumor predisposition; Hereditary neoplastic syndrome; Neoplastic Syndromes, Hereditary; Hereditary Cancer Syndrome. Identifiers: Orphanet 140162, MedGen C0027672, MeSH D009386, MONDO:0015356.
Cardiovascular phenotype. Identifiers: MedGen CN230736.
Neurofibromatosis, familial spinal (FSNF). Identifiers: Orphanet 636, MedGen C1834235, MONDO:0008078, OMIM 162210. Disease mechanism: loss of function.
Neurofibromatosis-Noonan syndrome (NFNS). Also called: NEUROFIBROMATOSIS WITH NOONAN PHENOTYPE. Identifiers: Orphanet 638, MedGen C2931482, MONDO:0011035, OMIM 601321. Disease mechanism: loss of function.
Café-au-lait macules with pulmonary stenosis (WTSN). Also called: PULMONIC STENOSIS WITH CAFE-AU-LAIT SPOTS. Identifiers: MedGen C0553586, MONDO:0008672, OMIM 193520.
Juvenile myelomonocytic leukemia (JMML). Also called: LEUKEMIA, JUVENILE MYELOMONOCYTIC, SOMATIC. Identifiers: Orphanet 86834, MedGen C0349639, MONDO:0011908, OMIM 607785, HP:0012209.
Neurofibromatosis, type 1 (NF1). Also called: Neurofibromatosis, type I; NEUROFIBROMATOSIS, TYPE I, SOMATIC; VON RECKLINGHAUSEN DISEASE; Peripheral type neurofibromatosis. Identifiers: Orphanet 636, MedGen C0027831, MONDO:0018975, OMIM 162200. Disease mechanism: loss of function.

Allele frequency attached by ClinVar (database versions not stated): gnomAD 0.01075 and 0.00994; TOPMed 0.01149; 1000 Genomes Project 30x 0.01249; gnomAD exomes 0.00264 and 0.00098; ExAC 0.00332; ESP Exome Variant Server 0.01053; 1000 Genomes Project 0.01178.
gnomAD v4.1: 3,012 of 1,613,820 alleles (0.19%); highest among the groups gnomAD compares: African/African-American, 3.5%; 44 homozygotes.

Submissions (22):

Myriad Genetics, Inc.
Classification: Benign for Neurofibromatosis, type 1. Last evaluated: 2026-05-22. Review status: criteria provided, single submitter. Criteria: Myriad Autosomal Dominant, Autosomal Recessive and X-Linked Classification Criteria (2023). Collection method: clinical testing. Allele origin: unknown.
Comment: This variant is considered benign. This variant is a silent/synonymous amino acid change and it is not expected to impact splicing.

Labcorp Genetics (formerly Invitae), Labcorp
Classification: Benign for Neurofibromatosis, type 1. Last evaluated: 2026-02-04. Review status: criteria provided, single submitter. Criteria: Invitae Variant Classification Sherloc (09022015). Collection method: clinical testing. Allele origin: germline.

Mayo Clinic Laboratories, Mayo Clinic
Classification: Likely benign. Last evaluated: 2025-08-27. Review status: criteria provided, single submitter. Criteria: ACMG Guidelines, 2015. Collection method: clinical testing. Allele origin: germline. Observed: 6 variant alleles.
Comment: BS1, BP4, BP7

ARUP Laboratories, Molecular Genetics and Genomics, ARUP Laboratories
Classification: Benign. Last evaluated: 2025-05-06. Review status: criteria provided, single submitter. Criteria: ARUP Molecular Germline Variant Investigation Process 2024. Collection method: clinical testing. Allele origin: germline.

KCCC/NGS Laboratory, Kuwait Cancer Control Center
Classification: Benign for Neurofibromatosis, type 1. Last evaluated: 2025-02-01. Review status: criteria provided, single submitter. Criteria: ACMG Guidelines, 2015. Collection method: clinical testing. Allele origin: germline. Affected: no.

Department of Pathology and Laboratory Medicine, Sinai Health System
Classification: Benign for Neurofibromatosis, type 1; Neurofibromatosis, familial spinal; Café-au-lait macules with pulmonary stenosis; Neurofibromatosis-Noonan syndrome; Juvenile myelomonocytic leukemia. Last evaluated: 2024-10-28. Review status: criteria provided, single submitter. Criteria: ACMG Guidelines, 2015. Collection method: clinical testing. Allele origin: germline.

KCCC/NGS Laboratory, Kuwait Cancer Control Center
Classification: Benign for Neurofibromatosis, familial spinal. Last evaluated: 2023-07-07. Review status: criteria provided, single submitter. Criteria: ACMG Guidelines, 2015. Collection method: clinical testing. Allele origin: germline. Affected: yes.

Genome-Nilou Lab
Classification: Benign for Neurofibromatosis, type 1. Last evaluated: 2022-03-15. Review status: criteria provided, single submitter. Criteria: ACMG Guidelines, 2015. Collection method: clinical testing. Allele origin: germline. Affected: no.

Genome Diagnostics Laboratory, The Hospital for Sick Children
Classification: Benign for Neurofibromatosis, type 1. Last evaluated: 2020-10-26. Review status: criteria provided, single submitter. Criteria: ACMG Guidelines, 2015. Collection method: clinical testing. Allele origin: germline. Affected: yes.

Illumina Laboratory Services, Illumina
Classification: Benign for Café-au-lait macules with pulmonary stenosis. Last evaluated: 2018-01-12. Review status: criteria provided, single submitter. Criteria: ICSL Variant Classification Criteria 13 December 2019. Collection method: clinical testing. Allele origin: germline.
Comment: This variant was observed in the ICSL laboratory as part of a predisposition screen in an ostensibly healthy population. It had not been previously curated by ICSL or reported in the Human Gene Mutation Database (HGMD: prior to June 1st, 2018), and was therefore a candidate for classification through an automated scoring system. Utilizing variant allele frequency, disease prevalence and penetrance estimates, and inheritance mode, an automated score was calculated to assess if this variant is too frequent to cause the disease. Based on the score and internal cut-off values, a variant classified as benign is not then subjected to further curation. The score for this variant resulted in a classification of benign for this disease.

Illumina Laboratory Services, Illumina
Classification: Benign for Neurofibromatosis, type 1. Last evaluated: 2018-01-12. Review status: criteria provided, single submitter. Criteria: ICSL Variant Classification Criteria 13 December 2019. Collection method: clinical testing. Allele origin: germline.
Comment: the same text as in the submission from Illumina Laboratory Services, Illumina above.

Illumina Laboratory Services, Illumina
Classification: Benign for Neurofibromatosis, familial spinal. Last evaluated: 2018-01-12. Review status: criteria provided, single submitter. Criteria: ICSL Variant Classification Criteria 13 December 2019. Collection method: clinical testing. Allele origin: germline.
Comment: the same text as in the submission from Illumina Laboratory Services, Illumina above.

Illumina Laboratory Services, Illumina
Classification: Benign for Neurofibromatosis-Noonan syndrome. Last evaluated: 2018-01-12. Review status: criteria provided, single submitter. Criteria: ICSL Variant Classification Criteria 13 December 2019. Collection method: clinical testing. Allele origin: germline.
Comment: the same text as in the submission from Illumina Laboratory Services, Illumina above.

GeneDx
Classification: Benign. Last evaluated: 2016-09-02. Review status: criteria provided, single submitter. Criteria: GeneDx Variant Classification (06012015). Collection method: clinical testing. Allele origin: germline. Affected: yes.
Comment: This variant is considered likely benign or benign based on one or more of the following criteria: it is a conservative change, it occurs at a poorly conserved position in the protein, it is predicted to be benign by multiple in silico algorithms, and/or has population frequency not consistent with disease.

Women's Health and Genetics/Laboratory Corporation of America, LabCorp
Classification: Benign. Last evaluated: 2016-05-12. Review status: criteria provided, single submitter. Criteria: LabCorp Variant Classification Summary - May 2015. Collection method: clinical testing. Allele origin: germline.
Comment: Variant summary: The NF1 c.7692C>T (p.Ser2564Ser) variant causes a synonymous change involving a non-conserved nucleotide with 5/5 splice prediction tools calculating no significant effect on splicing, although these predictions have yet to be functionally assessed. This variant was found in the large, broad control population, ExAC, with an allele frequency of 403/121392 (11 homozygotes, 1/301, freq: 0.00332), predominantly in the African cohort, 371/10404 (1/28, 0.03566, 11 homozygotes), which significantly exceeds the estimated maximal expected allele frequency for a pathogenic NF1 variant of 1/4798 (0.0002084). Therefore, suggesting that the variant of interest is a common polymorphism found in population(s) of African origin. This variant, to our knowledge, has not been reported in affected individuals via publications, although, multiple clinical laboratories cite the variant as "benign." Therefore, taking all available lines of evidence into consideration, the variant of interest is classified as Benign.

Ambry Genetics
Classification: Benign for Cardiovascular phenotype; Hereditary cancer-predisposing syndrome. Last evaluated: 2016-03-23. Review status: criteria provided, single submitter. Criteria: Ambry Variant Classification Scheme 2023. Collection method: clinical testing. Allele origin: germline.

Laboratory for Molecular Medicine, Mass General Brigham Personalized Medicine
Classification: Benign. Last evaluated: 2014-11-24. Review status: criteria provided, single submitter. Criteria: LMM Criteria. Collection method: clinical testing. Allele origin: germline. Observed: 2 variant alleles.
Comment: Ser2585Ser in exon 53 of NF1: This variant is not expected to have clinical sign ificance because it does not alter an amino acid residue and is not located with in the splice consensus sequence. It has been identified in 3.1% (136/4406) of A frican American chromosomes from a broad population by the NHLBI Exome Sequencin g Project (dbSNP rs17881980).

Ambry Genetics
Classification: Benign for Hereditary cancer-predisposing syndrome. Last evaluated: 2014-11-19. Review status: criteria provided, single submitter. Criteria: Ambry Autosomal Dominant and X-Linked criteria (10/2015). Collection method: clinical testing. Allele origin: germline. Observed: 1 variant allele.
Comment: General population or subpopulation frequency is too high to be a pathogenic mutation based on disease/syndrome prevalence and penetrance

Breakthrough Genomics
Classification: Benign. Review status: criteria provided, single submitter. Criteria: ACMG Guidelines, 2015. Collection method: not provided. Allele origin: germline. Inheritance: Autosomal dominant inheritance. Affected: yes.

PreventionGenetics, part of Exact Sciences
Classification: Benign. Review status: criteria provided, single submitter. Criteria: ACMG Guidelines, 2015. Collection method: clinical testing. Allele origin: germline.

Clinical Genetics DNA and cytogenetics Diagnostics Lab, Erasmus MC, Erasmus Medical Center
Classification: Benign. Review status: no assertion criteria provided. Collection method: clinical testing. Allele origin: germline. Affected: yes. Study: VKGL Data-share Consensus. Not counted in ClinVar's aggregate classification.

Genome Diagnostics Laboratory, Amsterdam University Medical Center
Classification: Benign. Review status: no assertion criteria provided. Collection method: clinical testing. Allele origin: germline. Affected: yes. Study: VKGL Data-share Consensus. Not counted in ClinVar's aggregate classification.

NM_001042492.3(NF1):c.7755C>T (p.Ser2585=)

Gene: NF1 (neurofibromin 1; plus strand). Cytogenetic location: 17q11.2.
Variant type: single nucleotide variant.
Coding change: c.7755C>T on transcript NM_001042492.3 (MANE Select); coding-DNA position 7755, C replaced by T.
Protein change: p.Ser2585=; no amino-acid change (serine 2585 retained).
Molecular consequence: synonymous variant.
Genome position (GRCh38, 1-based): chr17:31,356,976, C>T. VCF-style: chr17-31356976-C-T. GRCh37 (hg19) VCF-style: chr17-29683994-C-T.
Other names: p.Ser2564=; c.7692C>T, p.Ser2564= (NM_000267.4).
Identifiers: ClinVar variation 184185 (VCV000184185.43), dbSNP rs17881980, ClinGen allele CA188115.